The following is an entry in ClinVar:

NM_003105.6(SORL1):c.1853C>T (p.Thr618Met)

Gene: SORL1 (sortilin related receptor 1; plus strand). Cytogenetic location: 11q24.1.
Variant type: single nucleotide variant.
Coding change: c.1853C>T on transcript NM_003105.6 (MANE Select); coding-DNA position 1853, C replaced by T.
Protein change: p.Thr618Met; replaces threonine 618 with methionine.
Molecular consequence: missense variant.
Genome position (GRCh38, 1-based): chr11:121,543,715, C>T. VCF-style: chr11-121543715-C-T. GRCh37 (hg19) VCF-style: chr11-121414424-C-T.
Other names: short protein forms T618M.
Identifiers: ClinVar variation 5001434 (VCV005001434.1).
Genomic context (GRCh38, chr11:121,543,715, plus strand): 5'-CCATCTTTGGCTCGAACAAAGAGAATGTCCACAGCTGGCTGATCCTCCAGGTCAATGCCA[C>T]GGATGCCTTGGGTAAGCTGCTGCCTCCTTGGACCTTTTCACATGGATATGCGTGGACTTC-3'
Protein context (NP_003096.2, residues 608-628): HSWLILQVNA[Thr618Met]DALGVPCTEN

ClinVar aggregate classification (germline): Uncertain significance (1 of 4 stars; one submission).

Conditions:
SORL1-related disorder. Also called: SORL1-related condition.

gnomAD v4.1: 12 of 1,612,292 alleles (0.00074%); highest among the groups gnomAD compares: Admixed American, 0.0033%; no homozygotes.

Submission:

PreventionGenetics, part of Exact Sciences
Classification: Uncertain significance for SORL1-related condition. Last evaluated: 2026-06-24. Review status: criteria provided, single submitter. Criteria: ACMG Guidelines, 2015. Collection method: clinical testing. Allele origin: germline.
Comment: The SORL1 c.1853C>T variant is predicted to result in the amino acid substitution p.Thr618Met. To our knowledge, this variant has not been reported in the literature. This variant is reported in 0.0050% of alleles in individuals of East Asian descent in gnomAD. At this time, the clinical significance of this variant is uncertain due to the absence of conclusive functional and genetic evidence.